The following is an entry in ClinVar:

ClinVar aggregate classification (germline): Conflicting classifications of pathogenicity. Review status: criteria provided, conflicting classifications (1 of 4 stars). 2 submissions from 2 submitters: Uncertain significance (1); Likely benign (1). Last evaluated 2025-08-23.

Conditions:
Inborn genetic diseases. Identifiers: MedGen C0950123, MeSH D030342.

gnomAD v4.1: 1 of 1,567,082 alleles (0.000064%); highest among the groups gnomAD compares: Admixed American, 0.0019%; no homozygotes.

Submissions (2):

Ambry Genetics
Classification: Likely benign for Inborn genetic diseases. Last evaluated: 2025-08-23. Review status: criteria provided, single submitter. Criteria: Ambry Variant Classification Scheme 2023. Collection method: clinical testing. Allele origin: germline.

GeneDx
Classification: Uncertain significance. Last evaluated: 2023-06-20. Review status: criteria provided, single submitter. Criteria: GeneDx Variant Classification Process June 2021. Collection method: clinical testing. Allele origin: germline. Affected: yes.
Comment: Not observed at significant frequency in large population cohorts (gnomAD); In silico analysis supports that this missense variant does not alter protein structure/function; Has not been previously published as pathogenic or benign to our knowledge

NM_015114.3(ANKLE2):c.2775G>C (p.Gln925His)

Gene: ANKLE2 (ankyrin repeat and LEM domain containing 2; minus strand). Cytogenetic location: 12q24.33.
Variant type: single nucleotide variant.
Coding change: c.2775G>C on transcript NM_015114.3 (MANE Select); coding-DNA position 2775, G replaced by C.
Protein change: p.Gln925His; replaces glutamine 925 with histidine.
Molecular consequence: missense variant.
Genome position (GRCh38, 1-based): chr12:132,727,284, C>G on the plus strand (G>C on the coding strand, the complement: ANKLE2 is on the minus strand). VCF-style: chr12-132727284-C-G. GRCh37 (hg19) VCF-style: chr12-133303870-C-G.
Other names: c.2775G>C (NM_015114.1); short protein forms Q925H.
Identifiers: ClinVar variation 3359756 (VCV003359756.2).